The following is an entry in ClinVar:

NM_000548.5(TSC2):c.4678G>C (p.Ala1560Pro)

Gene: TSC2 (TSC complex subunit 2; plus strand). Cytogenetic location: 16p13.3.
Variant type: single nucleotide variant.
Coding change: c.4678G>C on transcript NM_000548.5 (MANE Select); coding-DNA position 4678, G replaced by C.
Protein change: p.Ala1560Pro; replaces alanine 1560 with proline.
Molecular consequence: missense variant. On other transcripts: non-coding transcript variant (5).
Genome position (GRCh38, 1-based): chr16:2,086,208, G>C. VCF-style: chr16-2086208-G-C. GRCh37 (hg19) VCF-style: chr16-2136209-G-C.
Other names: c.4477G>C, p.Ala1493Pro (NM_001077183.3); c.4609G>C, p.Ala1537Pro (NM_001114382.3); c.4369G>C, p.Ala1457Pro (NM_001318827.2); c.4333G>C, p.Ala1445Pro (NM_001318829.2); c.3946G>C, p.Ala1316Pro (NM_001318831.2); c.4510G>C, p.Ala1504Pro (NM_001318832.2); c.4480G>C, p.Ala1494Pro (NM_001363528.2); c.4546G>C, p.Ala1516Pro (NM_001370404.1); and 26 more; short protein forms A1294P, A1316P, A1337P, A1444P, A1474P, A1500P, A1517P, A1559P.
Identifiers: ClinVar variation 3637245 (VCV003637245.3).

ClinVar aggregate classification (germline): Uncertain significance. Review status: criteria provided, multiple submitters, no conflicts (2 of 4 stars). 2 submissions from 2 submitters: Uncertain significance (2). Last evaluated 2025-07-25.

Conditions:
Tuberous sclerosis 2 (TSC2). Identifiers: Orphanet 805, MedGen C1860707, MONDO:0013199, OMIM 613254.

Submissions (2):

3billion
Classification: Uncertain significance for Tuberous sclerosis 2. Last evaluated: 2025-07-25. Review status: criteria provided, single submitter. Criteria: ACMG Guidelines, 2015. Collection method: clinical testing. Allele origin: germline. Affected: yes.
Comment: The variant is not observed in the gnomAD v4.1.0 dataset. Predicted Consequence/Location: Missense variant. The majority of the known disease-causing variants of this gene are variants expected to result in premature termination of the protein. In silico tool predictions suggest damaging effect of the variant on gene or gene product [REVEL: 0.73 (>=0.6, sensitivity 0.68 and specificity 0.92); 3Cnet: 0.97 (> 0.75, sensitivity 0.96 and precision 0.92)]. The variant has been reported as of uncertain significance (ClinVar ID: VCV003637245). Therefore, this variant is classified as VUS according to the recommendation of ACMG/AMP guideline.

Labcorp Genetics (formerly Invitae), Labcorp
Classification: Uncertain significance for Tuberous sclerosis 2. Last evaluated: 2024-03-02. Review status: criteria provided, single submitter. Criteria: Invitae Variant Classification Sherloc (09022015). Collection method: clinical testing. Allele origin: germline.
Comment: This sequence change replaces alanine, which is neutral and non-polar, with proline, which is neutral and non-polar, at codon 1560 of the TSC2 protein (p.Ala1560Pro). This variant is not present in population databases (gnomAD no frequency). This variant has not been reported in the literature in individuals affected with TSC2-related conditions. Advanced modeling of protein sequence and biophysical properties (such as structural, functional, and spatial information, amino acid conservation, physicochemical variation, residue mobility, and thermodynamic stability) performed at Invitae indicates that this missense variant is not expected to disrupt TSC2 protein function with a negative predictive value of 95%. In summary, the available evidence is currently insufficient to determine the role of this variant in disease. Therefore, it has been classified as a Variant of Uncertain Significance.